The following is an entry in ClinVar:

ClinVar aggregate classification (germline): Pathogenic/Likely pathogenic. Review status: criteria provided, multiple submitters, no conflicts (2 of 4 stars). 3 submissions from 3 submitters: Pathogenic (1); Likely pathogenic (2). Last evaluated 2025-08-08.

Conditions:
Hereditary factor XI deficiency disease. Also called: PLASMA THROMBOPLASTIN ANTECEDENT DEFICIENCY; PTA DEFICIENCY; ROSENTHAL SYNDROME; Congenital factor XI deficiency. Identifiers: Orphanet 329, MedGen C0015523, MeSH D005173, MONDO:0012897, OMIM 612416.
Plasma factor XI deficiency.

Submissions (3):

Natera, Inc.
Classification: Likely pathogenic for Plasma factor XI deficiency. Last evaluated: 2025-08-08. Review status: criteria provided, single submitter. Criteria: Natera Variant Classification Schema (03/2026). Collection method: clinical testing. Allele origin: germline.
Comment: The c.688T>A variant in F11 is a missense variant predicted to cause substitution of cysteine to serine at amino acid 230. This variant is rare in the general population with a frequency below the threshold expected for the associated phenotype(s). This variant has been observed in one or more individuals affected with the associated recessive disease, as either homozygous or compound heterozygous with a second variant (PMID: 20523169). Additionally, this variant has been observed to segregate in affected family members (PMID: 20523169). A different variant at the same position has been determined to be Pathogenic or Likely Pathogenic. Computational prediction algorithms indicate this variant is likely to affect gene or protein function. Given the available evidence, this variant is classified as Likely Pathogenic.

Women's Health and Genetics/Laboratory Corporation of America, LabCorp
Classification: Likely pathogenic for Hereditary factor XI deficiency disease. Last evaluated: 2023-10-03. Review status: criteria provided, single submitter. Criteria: LabCorp Variant Classification Summary - May 2015. Collection method: clinical testing. Allele origin: germline.
Comment: Variant summary: F11 c.688T>A (p.Cys230Ser) results in a non-conservative amino acid change located in the third Apple domain (IPR000177) of the encoded protein sequence. Five of five in-silico tools predict a damaging effect of the variant on protein function. The variant was absent in 251444 control chromosomes (gnomAD). c.688T>A has been reported in the literature in both compound heterozygous as well as heterozygous individuals affected with Hereditary factor XI deficiency disease (Quelin_2009). These data indicate that the variant is likely to be associated with both autosomal dominant and autosomal recessive disease. To our knowledge, no experimental evidence demonstrating an impact on protein function has been reported. The following publication was ascertained in the context of this evaluation (PMID: 20523169). No submitters have reported clinical-significance assessments for this variant to ClinVar after 2014. Additionally, other missense variants affecting the same codon, namely p.Cys230Arg and p.Cys230Phe, have been reported in the literature in individuals affected with hereditary factor XI deficiency (PMIDs: 16835901, 34799507). Based on the evidence outlined above, the variant was classified as likely pathogenic.

Labcorp Genetics (formerly Invitae), Labcorp
Classification: Pathogenic. Last evaluated: 2022-11-29. Review status: criteria provided, single submitter. Criteria: Invitae Variant Classification Sherloc (09022015). Collection method: clinical testing. Allele origin: germline.
Comment: This sequence change replaces cysteine, which is neutral and slightly polar, with serine, which is neutral and polar, at codon 230 of the F11 protein (p.Cys230Ser). This variant is not present in population databases (gnomAD no frequency). This missense change has been observed in individual(s) with autosomal recessive FXI deficiency (PMID: 20523169). In at least one individual the data is consistent with being in trans (on the opposite chromosome) from a pathogenic variant. It has also been observed to segregate with disease in related individuals. This variant is also known as Cys212Ser. Advanced modeling of protein sequence and biophysical properties (such as structural, functional, and spatial information, amino acid conservation, physicochemical variation, residue mobility, and thermodynamic stability) performed at Invitae indicates that this missense variant is expected to disrupt F11 protein function. For these reasons, this variant has been classified as Pathogenic.

Literature cited by the submitters: PubMed 20523169 (cited by 3 submitters).

NM_000128.4(F11):c.688T>A (p.Cys230Ser)

Gene: F11 (coagulation factor XI; plus strand). Cytogenetic location: 4q35.2.
Variant type: single nucleotide variant.
Coding change: c.688T>A on transcript NM_000128.4 (MANE Select); coding-DNA position 688, T replaced by A.
Protein change: p.Cys230Ser; replaces cysteine 230 with serine.
Molecular consequence: missense variant.
Genome position (GRCh38, 1-based): chr4:186,276,323, T>A. VCF-style: chr4-186276323-T-A. GRCh37 (hg19) VCF-style: chr4-187197477-T-A.
Other names: short protein forms C230S.
Identifiers: ClinVar variation 2637829 (VCV002637829.5), dbSNP rs1004775935, ClinGen allele CA358959225.